The following is an entry in ClinVar:

ClinVar aggregate classification (germline): Uncertain significance (1 of 4 stars; one submission).

Conditions:
Bloom syndrome (BLM). Also called: Bloom-Torre-Machacek syndrome. Identifiers: Orphanet 125, MedGen C0005859, MONDO:0008876, OMIM 210900.

Submission:

Labcorp Genetics (formerly Invitae), Labcorp
Classification: Uncertain significance for Bloom syndrome. Last evaluated: 2024-10-28. Review status: criteria provided, single submitter. Criteria: Invitae Variant Classification Sherloc (09022015). Collection method: clinical testing. Allele origin: germline.
Comment: This sequence change replaces threonine, which is neutral and polar, with alanine, which is neutral and non-polar, at codon 907 of the BLM protein (p.Thr907Ala). This variant is not present in population databases (gnomAD no frequency). This variant has not been reported in the literature in individuals affected with BLM-related conditions. ClinVar contains an entry for this variant (Variation ID: 1462746). Invitae Evidence Modeling of protein sequence and biophysical properties (such as structural, functional, and spatial information, amino acid conservation, physicochemical variation, residue mobility, and thermodynamic stability) indicates that this missense variant is not expected to disrupt BLM protein function with a negative predictive value of 80%. In summary, the available evidence is currently insufficient to determine the role of this variant in disease. Therefore, it has been classified as a Variant of Uncertain Significance.

NM_000057.4(BLM):c.2719A>G (p.Thr907Ala)

Gene: BLM (BLM RecQ like helicase; plus strand). Cytogenetic location: 15q26.1.
Variant type: single nucleotide variant.
Coding change: c.2719A>G on transcript NM_000057.4 (MANE Select); coding-DNA position 2719, A replaced by G.
Protein change: p.Thr907Ala; replaces threonine 907 with alanine.
Molecular consequence: missense variant.
Genome position (GRCh38, 1-based): chr15:90,784,977, A>G. VCF-style: chr15-90784977-A-G. GRCh37 (hg19) VCF-style: chr15-91328207-A-G.
Other names: c.2719A>G, p.Thr907Ala (NM_001287246.2, NM_001287247.2); c.1594A>G, p.Thr532Ala (NM_001287248.2); short protein forms T532A, T907A.
Identifiers: ClinVar variation 1462746 (VCV001462746.8), dbSNP rs2151179767, ClinGen allele CA393845964.
Genomic context (GRCh38, chr15:90,784,977, plus strand): 5'-GCAGATGATTCAGGGATAATTTACTGCCTCTCCAGGCGAGAATGTGACACCATGGCTGAC[A>G]CGTTACAGAGAGATGGGCTCGCTGCTCTTGCTTACCATGCTGGCCTCAGTGATTCTGCCA-3'
Protein context (NP_000048.1, residues 897-917): SRRECDTMAD[Thr907Ala]LQRDGLAALA